The following is an entry in ClinVar:

NM_005591.4(MRE11):c.1995-5C>A

Gene: MRE11 (MRE11 double strand break repair nuclease; minus strand). Cytogenetic location: 11q21.
Variant type: single nucleotide variant.
Coding change: c.1995-5C>A on transcript NM_005591.4 (MANE Select); 5 bases into the intron before coding-DNA position 1995, C replaced by A.
Molecular consequence: intron variant.
Genome position (GRCh38, 1-based): chr11:94,429,991, G>T on the plus strand (C>A on the coding strand, the complement: MRE11 is on the minus strand). VCF-style: chr11-94429991-G-T. GRCh37 (hg19) VCF-style: chr11-94163157-G-T.
Other names: c.1992-5C>A (NM_001330347.2); c.1911-5C>A (NM_005590.4).
Identifiers: ClinVar variation 187614 (VCV000187614.5), dbSNP rs786203865, ClinGen allele CA198097.

ClinVar aggregate classification (germline): Uncertain significance (1 of 4 stars; one submission).

Conditions:
Hereditary cancer-predisposing syndrome. Also called: Neoplastic Syndromes, Hereditary; Tumor predisposition; Hereditary Cancer Syndrome; Hereditary neoplastic syndrome. Identifiers: Orphanet 140162, MedGen C0027672, MeSH D009386, MONDO:0015356.

Submission:

Ambry Genetics
Classification: Uncertain significance for Hereditary cancer-predisposing syndrome. Last evaluated: 2020-12-08. Review status: criteria provided, single submitter. Criteria: Ambry Variant Classification Scheme 2023. Collection method: clinical testing. Allele origin: germline.
Comment: The c.1995-5C>A intronic variant results from a C to A substitution 5 nucleotides upstream from coding exon 18 in the MRE11A gene. This nucleotide position is well conserved in available vertebrate species. In silico splice site analysis predicts that this alteration will not have any significant effect on splicing. Since supporting evidence is limited at this time, the clinical significance of this alteration remains unclear.